The following is an entry in ClinVar:

ClinVar aggregate classification (germline): Conflicting classifications of pathogenicity. Review status: criteria provided, conflicting classifications (1 of 4 stars). 9 submissions from 9 submitters: Pathogenic (3); Likely pathogenic (4); Uncertain significance (1). 1 of the submissions does not count toward it. Last evaluated 2026-02-26.

Conditions:
Medium-chain acyl-coenzyme A dehydrogenase deficiency (ACADMD). Also called: MCADD; Medium chain acyl-CoA dehydrogenase deficiency; MCAD Deficiency; ACADM DEFICIENCY; CARNITINE DEFICIENCY SECONDARY TO MEDIUM-CHAIN ACYL-CoA DEHYDROGENASE DEFICIENCY; MCADH DEFICIENCY. Identifiers: Orphanet 42, MedGen C0220710, MONDO:0008721, OMIM 201450.
ACADM-related disorder. Also called: ACADM-related condition.

Allele frequency attached by ClinVar (database versions not stated): ExAC 0.00001; gnomAD exomes 0.00001; gnomAD 0.00002; TOPMed 0.00003.
gnomAD v4.1: 12 of 1,613,908 alleles (0.00074%); highest among the groups gnomAD compares: Admixed American, 0.012%; 1 homozygote.

Submissions (9):

GeneDx
Classification: Uncertain significance. Last evaluated: 2026-02-26. Review status: criteria provided, single submitter. Criteria: GeneDx Variant Classification Process June 2021. Collection method: clinical testing. Allele origin: germline.
Comment: Not observed at significant frequency in large population cohorts (gnomAD); In silico analysis supports that this missense variant has a deleterious effect on protein structure/function; Also known as p.E228K; This variant is associated with the following publications: (PMID: 32778825, 27477829, 33841490, 20434380, 27856190)

Labcorp Genetics (formerly Invitae), Labcorp
Classification: Pathogenic for Medium-chain acyl-coenzyme A dehydrogenase deficiency. Last evaluated: 2025-12-24. Review status: criteria provided, single submitter. Criteria: Invitae Variant Classification Sherloc (09022015). Collection method: clinical testing. Allele origin: germline.
Comment: This sequence change replaces glutamic acid, which is acidic and polar, with lysine, which is basic and polar, at codon 253 of the ACADM protein (p.Glu253Lys). This variant is present in population databases (rs768884003, gnomAD 0.006%). This missense change has been observed in individual(s) with MCAD deficiency (PMID: 20434380; internal data). ClinVar contains an entry for this variant (Variation ID: 226054). Invitae Evidence Modeling of protein sequence and biophysical properties (such as structural, functional, and spatial information, amino acid conservation, physicochemical variation, residue mobility, and thermodynamic stability) indicates that this missense variant is not expected to disrupt ACADM protein function with a negative predictive value of 80%. For these reasons, this variant has been classified as Pathogenic.

Natera, Inc.
Classification: Likely pathogenic for Medium Chain Acyl-CoA Dehydrogenase Deficiency. Last evaluated: 2025-12-10. Review status: criteria provided, single submitter. Criteria: Natera Variant Classification Schema (03/2026). Collection method: clinical testing. Allele origin: germline.
Comment: The c.757G>A variant in ACADM is a missense variant predicted to cause substitution of glutamic acid to lysine at amino acid 253. This variant is rare in the general population with a frequency below the threshold expected for the associated phenotype(s). This variant has been observed in one or more individuals affected with the associated recessive disease, as either homozygous or compound heterozygous with a second variant (PMID: 20434380). This variant has been identified in one or more affected individuals with a phenotype highly consistent with the associated gene (PMID:20434380). Computational prediction algorithms indicate this variant is likely to affect gene or protein function. Given the available evidence, this variant is classified as Likely Pathogenic.

Blueprint Genetics
Classification: Pathogenic for ACADM-related disorders. Last evaluated: 2024-08-19. Review status: criteria provided, single submitter. Criteria: ACMG Guidelines, 2015. Collection method: clinical testing. Allele origin: germline. Affected: yes. Observed: 2 variant alleles.

Fulgent Genetics
Classification: Likely pathogenic for Medium-chain acyl-coenzyme A dehydrogenase deficiency. Last evaluated: 2024-05-15. Review status: criteria provided, single submitter. Criteria: ACMG Guidelines, 2015. Collection method: clinical testing. Allele origin: germline.

Women's Health and Genetics/Laboratory Corporation of America, LabCorp
Classification: Pathogenic for Medium-chain acyl-coenzyme A dehydrogenase deficiency. Last evaluated: 2024-01-19. Review status: criteria provided, single submitter. Criteria: LabCorp Variant Classification Summary - May 2015. Collection method: clinical testing. Allele origin: germline.
Comment: Variant summary: ACADM c.757G>A (p.Glu253Lys) results in a conservative amino acid change located in the acyl-CoA oxidase/dehydrogenase, middle domain (IPR006091) of the encoded protein sequence. Four of five in-silico tools predict a damaging effect of the variant on protein function. The variant allele was found at a frequency of 8e-06 in 251378 control chromosomes (gnomAD). c.757G>A has been reported in the literature as a compound heterozygous genotype in multiple individuals affected with Medium Chain Acyl-CoA Dehydrogenase Deficiency (e.g. Smith_2010, Gong_2021) and in one affected individual in the homozygous state (Tajima_2016). These data indicate that the variant is very likely to be associated with disease. At least one publication reports experimental evidence showing that cells from a patient homozygous for the variant of interest had normal enzymatic activity in vitro (Tajima_2016), however the authors speculate that the assay conditions do not faithfully replicate what occurs in vivo, allowing no convincing conclusion about the variant effect. The following publications have been ascertained in the context of this evaluation (PMID: 33841490, 20434380, 27856190). ClinVar contains an entry for this variant (Variation ID: 226054). Based on the evidence outlined above, the variant was classified as pathogenic.

Baylor Genetics
Classification: Likely pathogenic for Medium-chain acyl-coenzyme A dehydrogenase deficiency. Last evaluated: 2023-10-26. Review status: criteria provided, single submitter. Criteria: ACMG Guidelines, 2015. Collection method: clinical testing. Allele origin: unknown.

ARUP Laboratories, Molecular Genetics and Genomics, ARUP Laboratories
Classification: Likely pathogenic for Medium-chain acyl-coenzyme A dehydrogenase deficiency. Last evaluated: 2015-02-20. Review status: criteria provided, single submitter. Criteria: ACMG Guidelines, 2015. Collection method: clinical testing. Allele origin: germline. Inheritance: Autosomal recessive inheritance. Observed: 1 heterozygote, 1 homozygote.

Counsyl
Classification: Likely pathogenic for Medium-chain acyl-coenzyme A dehydrogenase deficiency. Last evaluated: 2017-10-04. Review status: no assertion criteria provided. Collection method: clinical testing. Allele origin: unknown. Not counted in ClinVar's aggregate classification.

Literature cited by the submitters: PubMed 20434380 (cited by 4 submitters); PubMed 27856190 (cited by Women's Health and Genetics/Laboratory Corporation of America, LabCorp and Counsyl); PubMed 33841490 (cited by Women's Health and Genetics/Laboratory Corporation of America, LabCorp); PubMed 27477829 (cited by Counsyl).

NM_000016.6(ACADM):c.757G>A (p.Glu253Lys)

Gene: ACADM (acyl-CoA dehydrogenase medium chain; plus strand). Cytogenetic location: 1p31.1.
Variant type: single nucleotide variant.
Coding change: c.757G>A on transcript NM_000016.6 (MANE Select); coding-DNA position 757, G replaced by A.
Protein change: p.Glu253Lys; replaces glutamic acid 253 with lysine.
Molecular consequence: missense variant.
Genome position (GRCh38, 1-based): chr1:75,749,467, G>A. VCF-style: chr1-75749467-G-A. GRCh37 (hg19) VCF-style: chr1-76215152-G-A.
Other names: c.769G>A, p.Glu257Lys (NM_001127328.3); c.649G>A, p.Glu217Lys (NM_001286042.2); c.856G>A, p.Glu286Lys (NM_001286043.2); c.190G>A, p.Glu64Lys (NM_001286044.2); short protein forms E253K, E257K, E64K, E286K, E217K.
Identifiers: ClinVar variation 226054 (VCV000226054.24), dbSNP rs768884003, ClinGen allele CA913200.
Genomic context (GRCh38, chr1:75,749,467, plus strand): 5'-TTTTCTTATTAGGAATTAAACATGGGCCAGCGATGTTCAGATACTAGAGGAATTGTCTTC[G>A]AAGATGTGAAAGTGCCTAAAGAAAATGTTTTAATTGGTGACGGAGCTGGTTTCAAAGTTG-3'
Protein context (NP_000007.1, residues 243-263): RCSDTRGIVF[Glu253Lys]DVKVPKENVL